The following is an entry in ClinVar:

ClinVar aggregate classification (germline): Uncertain significance (1 of 4 stars; one submission).

Conditions:
Dyskeratosis congenita, autosomal dominant 2. Identifiers: MedGen C3151443, MONDO:0013521, OMIM 613989.
Idiopathic Pulmonary Fibrosis. Also called: Idiopathic fibrosing alveolitis, chronic form; idiopathic fibrosing alveolitis. Identifiers: Orphanet 2032, MedGen C1800706, MeSH D054990, MONDO:0800504.

Submission:

Labcorp Genetics (formerly Invitae), Labcorp
Classification: Uncertain significance for Dyskeratosis congenita, autosomal dominant 2; Idiopathic Pulmonary Fibrosis. Last evaluated: 2024-04-08. Review status: criteria provided, single submitter. Criteria: Invitae Variant Classification Sherloc (09022015). Collection method: clinical testing. Allele origin: germline.
Comment: This sequence change replaces phenylalanine, which is neutral and non-polar, with valine, which is neutral and non-polar, at codon 1032 of the TERT protein (p.Phe1032Val). This variant is not present in population databases (gnomAD no frequency). This variant has not been reported in the literature in individuals affected with TERT-related conditions. Advanced modeling of protein sequence and biophysical properties (such as structural, functional, and spatial information, amino acid conservation, physicochemical variation, residue mobility, and thermodynamic stability) performed at Invitae indicates that this missense variant is expected to disrupt TERT protein function with a positive predictive value of 95%. In summary, the available evidence is currently insufficient to determine the role of this variant in disease. Therefore, it has been classified as a Variant of Uncertain Significance.

NM_198253.3(TERT):c.3094T>G (p.Phe1032Val)

Gene: TERT (telomerase reverse transcriptase; minus strand). Cytogenetic location: 5p15.33.
Variant type: single nucleotide variant.
Coding change: c.3094T>G on transcript NM_198253.3 (MANE Select); coding-DNA position 3094, T replaced by G.
Protein change: p.Phe1032Val; replaces phenylalanine 1032 with valine.
Molecular consequence: missense variant. On other transcripts: non-coding transcript variant (2).
Genome position (GRCh38, 1-based): chr5:1,255,350, A>C on the plus strand (T>G on the coding strand, the complement: TERT is on the minus strand). VCF-style: chr5-1255350-A-C. GRCh37 (hg19) VCF-style: chr5-1255465-A-C.
Other names: c.2905T>G, p.Phe969Val (NM_001193376.3); short protein forms F1032V, F969V.
Identifiers: ClinVar variation 3753448 (VCV003753448.2).